The following is an entry in ClinVar:

ClinVar aggregate classification (germline): Pathogenic/Likely pathogenic. Review status: criteria provided, multiple submitters, no conflicts (2 of 4 stars). 2 submissions from 2 submitters: Pathogenic (1); Likely pathogenic (1). Last evaluated 2021-10-06.

Conditions:
CRX-related disorders.
Cone-rod dystrophy 2 (CORD2). Also called: CONE-ROD RETINAL DYSTROPHY; Cone-rod retinal dystrophy 2. Identifiers: Orphanet 1872, MedGen C3489532, MONDO:0007362, OMIM 120970.
Leber congenital amaurosis 7 (LCA7). Identifiers: Orphanet 65, MedGen C3151192, MONDO:0013449, OMIM 613829.

Submissions (2):

Blueprint Genetics
Classification: Pathogenic for CRX-related disorders. Last evaluated: 2021-10-06. Review status: criteria provided, single submitter. Criteria: ACMG Guidelines, 2015. Collection method: clinical testing. Allele origin: germline. Affected: yes. Observed: 3 variant alleles.

Labcorp Genetics (formerly Invitae), Labcorp
Classification: Likely pathogenic for Cone-rod dystrophy 2; Leber congenital amaurosis 7. Last evaluated: 2020-10-09. Review status: criteria provided, single submitter. Criteria: Invitae Variant Classification Sherloc (09022015). Collection method: clinical testing. Allele origin: germline.
Comment: In summary, the currently available evidence indicates that the variant is pathogenic, but additional data are needed to prove that conclusively. Therefore, this variant has been classified as Likely Pathogenic. This variant has been observed in individual(s) with autosomal dominant inherited retinal dystrophy (PMID: 24154662, 31626798, Invitae). This variant is also known as c.431_443del13 in the literature. ClinVar contains an entry for this variant (Variation ID: 866158). This variant is not present in population databases (ExAC no frequency). This sequence change results in a premature translational stop signal in the CRX gene (p.Leu146Glnfs*37). While this is not anticipated to result in nonsense mediated decay, it is expected to disrupt the last 154 amino acids of the CRX protein.

Literature cited by the submitters: PubMed 24154662 (cited by Labcorp Genetics (formerly Invitae), Labcorp); PubMed 31626798 (cited by Labcorp Genetics (formerly Invitae), Labcorp).

NM_000554.6(CRX):c.437_449del (p.Leu146fs)

Gene: CRX (cone-rod homeobox; plus strand). Cytogenetic location: 19q13.33.
Variant type: Deletion.
Coding change: c.437_449del on transcript NM_000554.6 (MANE Select); coding-DNA positions 437 to 449, 13 bases deleted (TGCCCGGCCCCTC).
Protein change: p.Leu146fs; shifts the reading frame from leucine 146.
Molecular consequence: frameshift variant.
Genome position (GRCh38, 1-based): chr19:47,839,504-47,839,516, TGCCCGGCCCCTC deleted; deleting any 13 consecutive bases within chr19:47,839,498-47,839,516 gives the same sequence; the c. name uses the placement nearest the transcript's 3' end. VCF-style (leftmost placement, unchanged base first): chr19-47839497-CCCCCTCTGCCCGG-C. GRCh37 (hg19) VCF-style: chr19-48342754-CCCCCTCTGCCCGG-C.
Other names: short protein forms L146fs.
Identifiers: ClinVar variation 866158 (VCV000866158.11), dbSNP rs1968165080, ClinGen allele CA916083701.